The following is an entry in ClinVar:

ClinVar aggregate classification (germline): Uncertain significance. Review status: criteria provided, multiple submitters, no conflicts (2 of 4 stars). 2 submissions from 2 submitters: Uncertain significance (2). Last evaluated 2022-05-14.

Conditions:
Inborn genetic diseases. Identifiers: MedGen C0950123, MeSH D030342.

Allele frequency attached by ClinVar (database versions not stated): gnomAD 0.00001; gnomAD exomes 0.00001; TOPMed 0.00001.
gnomAD v4.1: 9 of 1,613,804 alleles (0.00056%); highest among the groups gnomAD compares: African/African-American, 0.0013%; no homozygotes.

Submissions (2):

Labcorp Genetics (formerly Invitae), Labcorp
Classification: Uncertain significance. Last evaluated: 2022-05-14. Review status: criteria provided, single submitter. Criteria: Invitae Variant Classification Sherloc (09022015). Collection method: clinical testing. Allele origin: germline.
Comment: This sequence change replaces cysteine, which is neutral and slightly polar, with arginine, which is basic and polar, at codon 350 of the TUBGCP6 protein (p.Cys350Arg). This variant is present in population databases (rs777518567, gnomAD 0.0009%). This variant has not been reported in the literature in individuals affected with TUBGCP6-related conditions. Algorithms developed to predict the effect of missense changes on protein structure and function output the following: SIFT: "Tolerated"; PolyPhen-2: "Benign"; Align-GVGD: "Class C0". The arginine amino acid residue is found in multiple mammalian species, which suggests that this missense change does not adversely affect protein function. In summary, the available evidence is currently insufficient to determine the role of this variant in disease. Therefore, it has been classified as a Variant of Uncertain Significance.

Ambry Genetics
Classification: Uncertain significance for Inborn genetic diseases. Last evaluated: 2021-06-18. Review status: criteria provided, single submitter. Criteria: Ambry Variant Classification Scheme 2023. Collection method: clinical testing. Allele origin: germline.

NM_020461.4(TUBGCP6):c.1048T>C (p.Cys350Arg)

Gene: TUBGCP6 (tubulin gamma complex component 6; minus strand). Cytogenetic location: 22q13.33.
Variant type: single nucleotide variant.
Coding change: c.1048T>C on transcript NM_020461.4 (MANE Select); coding-DNA position 1048, T replaced by C.
Protein change: p.Cys350Arg; replaces cysteine 350 with arginine.
Molecular consequence: missense variant.
Genome position (GRCh38, 1-based): chr22:50,233,384, A>G on the plus strand (T>C on the coding strand, the complement: TUBGCP6 is on the minus strand). VCF-style: chr22-50233384-A-G. GRCh37 (hg19) VCF-style: chr22-50671813-A-G.
Other names: short protein forms C350R.
Identifiers: ClinVar variation 2066648 (VCV002066648.2), dbSNP rs777518567, ClinGen allele CA325474217.